The following is an entry in ClinVar:

NM_004064.5(CDKN1B):c.406G>A (p.Asp136Asn)

Gene: CDKN1B (cyclin dependent kinase inhibitor 1B; plus strand). Cytogenetic location: 12p13.1.
Variant type: single nucleotide variant.
Coding change: c.406G>A on transcript NM_004064.5 (MANE Select); coding-DNA position 406, G replaced by A.
Protein change: p.Asp136Asn; replaces aspartic acid 136 with asparagine.
Molecular consequence: missense variant.
Genome position (GRCh38, 1-based): chr12:12,718,245, G>A. VCF-style: chr12-12718245-G-A. GRCh37 (hg19) VCF-style: chr12-12871179-G-A.
Other names: short protein forms D136N.
Identifiers: ClinVar variation 1737536 (VCV001737536.8), dbSNP rs1946498276, ClinGen allele CA383970637.

ClinVar aggregate classification (germline): Conflicting classifications of pathogenicity. Review status: criteria provided, conflicting classifications (1 of 4 stars). 2 submissions from 2 submitters: Uncertain significance (1); Likely benign (1). Last evaluated 2025-08-07.

Conditions:
Multiple endocrine neoplasia type 4. Also called: MULTIPLE ENDOCRINE NEOPLASIA, TYPE IV. Identifiers: Orphanet 276152, MedGen C1970712, MONDO:0012552, OMIM 610755.
Hereditary cancer-predisposing syndrome. Also called: Neoplastic Syndromes, Hereditary; Tumor predisposition; Hereditary Cancer Syndrome; Hereditary neoplastic syndrome. Identifiers: Orphanet 140162, MedGen C0027672, MeSH D009386, MONDO:0015356.

Submissions (2):

Labcorp Genetics (formerly Invitae), Labcorp
Classification: Uncertain significance for Multiple endocrine neoplasia type 4. Last evaluated: 2025-08-07. Review status: criteria provided, single submitter. Criteria: Invitae Variant Classification Sherloc (09022015). Collection method: clinical testing. Allele origin: germline.
Comment: This sequence change replaces aspartic acid, which is acidic and polar, with asparagine, which is neutral and polar, at codon 136 of the CDKN1B protein (p.Asp136Asn). This variant is not present in population databases (gnomAD no frequency). This variant has not been reported in the literature in individuals affected with CDKN1B-related conditions. ClinVar contains an entry for this variant (Variation ID: 1737536). An algorithm developed to predict the effect of missense changes on protein structure and function (PolyPhen-2) suggests that this variant is likely to be tolerated. In summary, the available evidence is currently insufficient to determine the role of this variant in disease. Therefore, it has been classified as a Variant of Uncertain Significance.

Ambry Genetics
Classification: Likely benign for Hereditary cancer-predisposing syndrome. Last evaluated: 2024-10-15. Review status: criteria provided, single submitter. Criteria: Ambry Variant Classification Scheme 2023. Collection method: clinical testing. Allele origin: germline.